The following is an entry in ClinVar:

ClinVar aggregate classification (germline): Uncertain significance. Review status: criteria provided, multiple submitters, no conflicts (2 of 4 stars). 2 submissions from 2 submitters: Uncertain significance (2). Last evaluated 2025-12-08.

Conditions:
Inborn genetic diseases. Identifiers: MedGen C0950123, MeSH D030342.

Allele frequency attached by ClinVar (database versions not stated): TOPMed 0.00002; ExAC 0.00002; gnomAD 0.00003; gnomAD exomes 0.00001.
gnomAD v4.1: 26 of 1,613,992 alleles (0.0016%); highest among the groups gnomAD compares: Non-Finnish European, 0.0021%; no homozygotes.

Submissions (2):

Ambry Genetics
Classification: Uncertain significance for Inborn genetic diseases. Last evaluated: 2025-12-08. Review status: criteria provided, single submitter. Criteria: Ambry Variant Classification Scheme 2023. Collection method: clinical testing. Allele origin: germline.

Labcorp Genetics (formerly Invitae), Labcorp
Classification: Uncertain significance. Last evaluated: 2025-02-20. Review status: criteria provided, single submitter. Criteria: Invitae Variant Classification Sherloc (09022015). Collection method: clinical testing. Allele origin: germline.
Comment: This sequence change replaces glutamic acid, which is acidic and polar, with aspartic acid, which is acidic and polar, at codon 1024 of the HPS5 protein (p.Glu1024Asp). This variant is present in population databases (rs774643223, gnomAD 0.004%). This variant has not been reported in the literature in individuals affected with HPS5-related conditions. ClinVar contains an entry for this variant (Variation ID: 1957463). An algorithm developed to predict the effect of missense changes on protein structure and function (PolyPhen-2) suggests that this variant is likely to be disruptive. In summary, the available evidence is currently insufficient to determine the role of this variant in disease. Therefore, it has been classified as a Variant of Uncertain Significance.

NM_181507.2(HPS5):c.3072G>C (p.Glu1024Asp)

Gene: HPS5 (HPS5 biogenesis of lysosomal organelles complex 2 subunit 2; minus strand). Cytogenetic location: 11p15.1.
Variant type: single nucleotide variant.
Coding change: c.3072G>C on transcript NM_181507.2 (MANE Select); coding-DNA position 3072, G replaced by C.
Protein change: p.Glu1024Asp; replaces glutamic acid 1024 with aspartic acid.
Molecular consequence: missense variant.
Genome position (GRCh38, 1-based): chr11:18,282,207, C>G on the plus strand (G>C on the coding strand, the complement: HPS5 is on the minus strand). VCF-style: chr11-18282207-C-G. GRCh37 (hg19) VCF-style: chr11-18303754-C-G.
Other names: c.2730G>C, p.Glu910Asp (NM_007216.4, NM_181508.2); short protein forms E1024D, E910D.
Identifiers: ClinVar variation 1957463 (VCV001957463.4), dbSNP rs774643223, ClinGen allele CA5909650.
Genomic context (GRCh38, chr11:18,282,207, plus strand): 5'-GGCTGGCCTCGTGCTCTTGCTCTGTATGAGATGAAGGAGAAGCTTCCATTCCTCCACGGT[C>G]TCTGGGATCCAACCTAAACACACACAGGGAAGTGTCAGTTTGACCACTCTTAGCACACTG-3'
Protein context (NP_852608.1, residues 1014-1034): LMEGDNGWIP[Glu1024Asp]TVEEWKLLLH